The following is an entry in ClinVar:

ClinVar aggregate classification (germline): Pathogenic. Review status: criteria provided, multiple submitters, no conflicts (2 of 4 stars). 6 submissions from 6 submitters: Pathogenic (4). 2 of the submissions do not count toward it. Last evaluated 2025-11-07.

Conditions:
SETX-related disorder. Also called: SETX-related condition; SETX-related disorders. Identifiers: MedGen CN239403.
Inborn genetic diseases. Identifiers: MedGen C0950123, MeSH D030342.
Spinocerebellar ataxia, autosomal recessive, with axonal neuropathy 2 (SCAN2). Also called: Ataxia with Oculomotor Apraxia; ATAXIA-OCULOMOTOR APRAXIA 2; Ataxia with Oculomotor Apraxia Type 2; Ataxia-ocular apraxia-2. Identifiers: Orphanet 64753, MedGen C1853761, MONDO:0018996, OMIM 606002.
Amyotrophic lateral sclerosis type 4 (ALS4). Also called: AMYOTROPHIC LATERAL SCLEROSIS 4, JUVENILE; NEURONOPATHY, DISTAL HEREDITARY MOTOR, WITH PYRAMIDAL FEATURES. Identifiers: Orphanet 357043, MedGen C1865409, MONDO:0011223, OMIM 602433.

Allele frequency attached by ClinVar (database versions not stated): gnomAD exomes below 0.00001; TOPMed below 0.00001; gnomAD 0.00001.
gnomAD v4.1: 13 of 1,613,864 alleles (0.00081%); highest among the groups gnomAD compares: African/African-American, 0.0013%; no homozygotes.

Submissions (6):

Labcorp Genetics (formerly Invitae), Labcorp
Classification: Pathogenic for Amyotrophic lateral sclerosis type 4; Spinocerebellar ataxia, autosomal recessive, with axonal neuropathy 2. Last evaluated: 2025-11-07. Review status: criteria provided, single submitter. Criteria: Invitae Variant Classification Sherloc (09022015). Collection method: clinical testing. Allele origin: germline.
Comment: This sequence change creates a premature translational stop signal (p.Arg1363*) in the SETX gene. It is expected to result in an absent or disrupted protein product. Loss-of-function variants in SETX are known to be pathogenic (PMID: 14770181). This variant is present in population databases (rs121434376, gnomAD no frequency). This premature translational stop signal has been observed in individual(s) with autosomal recessive ataxia (PMID: 14770181). ClinVar contains an entry for this variant (Variation ID: 2284). For these reasons, this variant has been classified as Pathogenic.

Genome-Nilou Lab
Classification: Pathogenic for Spinocerebellar ataxia, autosomal recessive, with axonal neuropathy 2. Last evaluated: 2023-02-08. Review status: criteria provided, single submitter. Criteria: ACMG Guidelines, 2015. Collection method: clinical testing. Allele origin: germline.

Mayo Clinic Laboratories, Mayo Clinic
Classification: Pathogenic. Last evaluated: 2021-12-27. Review status: criteria provided, single submitter. Criteria: ACMG Guidelines, 2015. Collection method: clinical testing. Allele origin: germline.
Comment: PP1, PM2, PM3, PS3, PVS1

Ambry Genetics
Classification: Pathogenic for Inborn genetic diseases. Last evaluated: 2016-12-16. Review status: criteria provided, single submitter. Criteria: Ambry exome assertion method (8-5-2015). Collection method: clinical testing. Allele origin: germline. Affected: yes. Observed: 1 variant allele.

PreventionGenetics, part of Exact Sciences
Classification: Pathogenic for SETX-related condition. Last evaluated: 2024-05-27. Review status: no assertion criteria provided. Collection method: clinical testing. Allele origin: germline. Not counted in ClinVar's aggregate classification.
Comment: The SETX c.4087C>T variant is predicted to result in premature protein termination (p.Arg1363*). This variant was reported in multiple unrelated individuals with ataxia-ocular apraxia 2 (Moreira et al. 2004. PubMed ID: 14770181; Table S1, Capalbo et al. 2019. PubMed ID: 31589614; da Costa et al. 2022. PubMed ID: 35426160; Baviera-Muñoz et al. 2022. PubMed ID: 36530930). This variant is reported in 0.0004% of alleles in individuals in gnomAD; and has been consistently classified as pathogenic in ClinVar. Nonsense variants in SETX are expected to be pathogenic. This variant is interpreted as pathogenic.

OMIM
Classification: Pathogenic for SPINOCEREBELLAR ATAXIA, AUTOSOMAL RECESSIVE, WITH AXONAL NEUROPATHY 2. Last evaluated: 2004-03-01. Review status: no assertion criteria provided. Collection method: literature only. Allele origin: germline. Not counted in ClinVar's aggregate classification.

Literature cited by the submitters: PubMed 14770181 (cited by 4 submitters); PubMed 15732101 (cited by Mayo Clinic Laboratories, Mayo Clinic); PubMed 17720498 (cited by Mayo Clinic Laboratories, Mayo Clinic); PubMed 25525159 (cited by Mayo Clinic Laboratories, Mayo Clinic); PubMed 28245518 (cited by Mayo Clinic Laboratories, Mayo Clinic); PubMed 31589614 (cited by Mayo Clinic Laboratories, Mayo Clinic).

NM_015046.7(SETX):c.4087C>T (p.Arg1363Ter)

Gene: SETX (senataxin; minus strand). Cytogenetic location: 9q34.13.
Variant type: single nucleotide variant.
Coding change: c.4087C>T on transcript NM_015046.7 (MANE Select); coding-DNA position 4087, C replaced by T.
Protein change: p.Arg1363Ter; replaces arginine 1363 with a stop codon.
Molecular consequence: nonsense.
Genome position (GRCh38, 1-based): chr9:132,327,511, G>A on the plus strand (C>T on the coding strand, the complement: SETX is on the minus strand). VCF-style: chr9-132327511-G-A. GRCh37 (hg19) VCF-style: chr9-135202898-G-A.
Other names: p.Arg1363*; c.4087C>T, p.Arg1363Ter (NM_001351527.2, NM_001351528.2); short protein forms R1363*.
Identifiers: ClinVar variation 2284 (VCV000002284.11), dbSNP rs121434376, ClinGen allele CA252172.